The following is an entry in ClinVar:

ClinVar aggregate classification (germline): Uncertain significance (1 of 4 stars; one submission).

Conditions:
Alstrom syndrome (ALMS). Identifiers: Orphanet 64, MedGen C0268425, MONDO:0008763, OMIM 203800.

Submission:

Labcorp Genetics (formerly Invitae), Labcorp
Classification: Uncertain significance for Alstrom syndrome. Last evaluated: 2022-11-10. Review status: criteria provided, single submitter. Criteria: Invitae Variant Classification Sherloc (09022015). Collection method: clinical testing. Allele origin: germline.
Comment: In summary, the available evidence is currently insufficient to determine the role of this variant in disease. Therefore, it has been classified as a Variant of Uncertain Significance. Experimental studies and prediction algorithms are not available or were not evaluated, and the functional significance of this variant is currently unknown. This variant has not been reported in the literature in individuals affected with ALMS1-related conditions. This variant is not present in population databases (gnomAD no frequency). This variant, c.58_59insCGG, results in the insertion of 1 amino acid(s) of the ALMS1 protein (p.Glu19_Glu20insAla), but otherwise preserves the integrity of the reading frame.

NM_001378454.1(ALMS1):c.55_56insCGG (p.Glu18_Glu19insAla)

Gene: ALMS1 (ALMS1 centrosome and basal body associated protein; plus strand). Cytogenetic location: 2p13.1.
Variant type: Insertion.
Coding change: c.55_56insCGG on transcript NM_001378454.1 (MANE Select); coding-DNA positions 55 to 56, CGG inserted.
Protein change: p.Glu18_Glu19insAla.
Molecular consequence: inframe insertion.
Genome position: GRCh38 VCF-style: chr2-73385921-A-AGGC. GRCh37 (hg19) VCF-style: chr2-73613049-A-AGGC.
Other names: c.58_59insCGG, p.Glu19_Glu20insAla (NM_015120.4).
Identifiers: ClinVar variation 2161486 (VCV002161486.2), dbSNP rs1558624541, ClinGen allele CA1260928565.